The following is an entry in ClinVar:

ClinVar aggregate classification (germline): Likely pathogenic. Review status: criteria provided, single submitter (1 of 4 stars). 2 submissions from 2 submitters: Likely pathogenic (1). 1 of the submissions does not count toward it. Last evaluated 2023-04-24.

Conditions:
Ectodermal dysplasia 11A, hypohidrotic/hair/tooth type, autosomal dominant. Identifiers: Orphanet 1810, Orphanet 238468, MedGen C3541517, MONDO:0013982, OMIM 614940.
Ectodermal dysplasia 11B, hypohidrotic/hair/tooth type, autosomal recessive. Identifiers: Orphanet 238468, Orphanet 248, MedGen C3539920, MONDO:0013983, OMIM 614941.
ECTODERMAL DYSPLASIA 11B, HYPOHIDROTIC/HAIR/TOOTH TYPE, AUTOSOMAL DOMINANT.

Submissions (2):

Labcorp Genetics (formerly Invitae), Labcorp
Classification: Likely pathogenic for Ectodermal dysplasia 11B, hypohidrotic/hair/tooth type, autosomal recessive; Ectodermal dysplasia 11A, hypohidrotic/hair/tooth type, autosomal dominant. Last evaluated: 2023-04-24. Review status: criteria provided, single submitter. Criteria: Invitae Variant Classification Sherloc (09022015). Collection method: clinical testing. Allele origin: germline.
Comment: This sequence change replaces aspartic acid, which is acidic and polar, with asparagine, which is neutral and polar, at codon 123 of the EDARADD protein (p.Asp123Asn). In summary, the currently available evidence indicates that the variant is pathogenic, but additional data are needed to prove that conclusively. Therefore, this variant has been classified as Likely Pathogenic. Experimental studies have shown that this missense change affects EDARADD function (PMID: 26440664, 34219261). An algorithm developed to predict the effect of missense changes on protein structure and function (PolyPhen-2) suggests that this variant is likely to be disruptive. ClinVar contains an entry for this variant (Variation ID: 253092). This missense change has been observed in individuals with clinical features of autosomal dominant hypohidrotic ectodermal dysplasia (PMID: 26440664; Invitae). It has also been observed to segregate with disease in related individuals. This variant is not present in population databases (gnomAD no frequency).

OMIM
Classification: Pathogenic for ECTODERMAL DYSPLASIA 11B, HYPOHIDROTIC/HAIR/TOOTH TYPE, AUTOSOMAL DOMINANT. Last evaluated: 2016-08-09. Review status: no assertion criteria provided. Collection method: literature only. Allele origin: germline. Not counted in ClinVar's aggregate classification.

Literature cited by the submitters: PubMed 26440664 (cited by Labcorp Genetics (formerly Invitae), Labcorp and OMIM); PubMed 34219261 (cited by Labcorp Genetics (formerly Invitae), Labcorp).

NM_145861.4(EDARADD):c.367G>A (p.Asp123Asn)

Gene: EDARADD (EDAR associated via death domain; plus strand). Cytogenetic location: 1q43.
Variant type: single nucleotide variant.
Coding change: c.367G>A on transcript NM_145861.4 (MANE Select); coding-DNA position 367, G replaced by A.
Protein change: p.Asp123Asn; replaces aspartic acid 123 with asparagine.
Molecular consequence: missense variant.
Genome position (GRCh38, 1-based): chr1:236,482,368, G>A. VCF-style: chr1-236482368-G-A. GRCh37 (hg19) VCF-style: chr1-236645668-G-A.
Other names: c.301G>A, p.Asp101Asn (NM_001422628.1); c.337G>A, p.Asp113Asn (NM_080738.5); short protein forms D123N, D113N, D101N.
Identifiers: ClinVar variation 253092 (VCV000253092.4), dbSNP rs879255629, ClinGen allele CA10586192.